The following is an entry in ClinVar:

NM_024422.6(DSC2):c.2132T>A (p.Leu711Gln)

Gene: DSC2 (desmocollin 2; minus strand). Cytogenetic location: 18q12.1.
Variant type: single nucleotide variant.
Coding change: c.2132T>A on transcript NM_024422.6 (MANE Select); coding-DNA position 2132, T replaced by A.
Protein change: p.Leu711Gln; replaces leucine 711 with glutamine.
Molecular consequence: missense variant.
Genome position (GRCh38, 1-based): chr18:31,070,844, A>T on the plus strand (T>A on the coding strand, the complement: DSC2 is on the minus strand). VCF-style: chr18-31070844-A-T. GRCh37 (hg19) VCF-style: chr18-28650810-A-T.
Other names: c.1703T>A, p.Leu568Gln (NM_001406506.1, NM_001406507.1); c.2132T>A, p.Leu711Gln (NM_004949.5); short protein forms L568Q, L711Q.
Identifiers: ClinVar variation 1786436 (VCV001786436.2), dbSNP rs2510939559, ClinGen allele CA402112580.
Genomic context (GRCh38, chr18:31,070,844, plus strand): 5'-TCATCAGGAATTACTTTTGGTTGTTTAGACGTCCCAGAAGCCCCACAGACCAGCGTAAAC[A>T]GGATGCCTGGAGGAAGAAAGAAATATACTTGAGTTTATCATAAAATAATATGAAGTTATA-3'
Protein context (NP_077740.1, residues 701-721): LLGIALLFCI[Leu711Gln]FTLVCGASGT

ClinVar aggregate classification (germline): Uncertain significance (1 of 4 stars; one submission).

Conditions:
Cardiovascular phenotype. Identifiers: MedGen CN230736.

Allele frequency attached by ClinVar (database versions not stated): gnomAD exomes below 0.00001.
gnomAD v4.1: 1 of 1,613,850 alleles (0.000062%); highest among the groups gnomAD compares: East Asian, 0.0022%; no homozygotes.

Submission:

Ambry Genetics
Classification: Uncertain significance for Cardiovascular phenotype. Last evaluated: 2022-05-02. Review status: criteria provided, single submitter. Criteria: Ambry Variant Classification Scheme 2023. Collection method: clinical testing. Allele origin: germline.
Comment: The p.L711Q variant (also known as c.2132T>A), located in coding exon 14 of the DSC2 gene, results from a T to A substitution at nucleotide position 2132. The leucine at codon 711 is replaced by glutamine, an amino acid with dissimilar properties. This amino acid position is highly conserved in available vertebrate species. In addition, this alteration is predicted to be deleterious by in silico analysis. Since supporting evidence is limited at this time, the clinical significance of this alteration remains unclear.